The following is an entry in ClinVar:

ClinVar aggregate classification (germline): Uncertain significance (1 of 4 stars; one submission).

Conditions:
Hereditary spastic paraplegia 39 (SPG39). Also called: SPASTIC PARAPLEGIA 39, AUTOSOMAL RECESSIVE; Spastic Paraplegia Type 39 (SPG39). Identifiers: Orphanet 139480, MedGen C2677586, MONDO:0012787, OMIM 612020.

Allele frequency attached by ClinVar (database versions not stated): ExAC 0.00001; gnomAD 0.00001; gnomAD exomes 0.00002; ESP Exome Variant Server 0.00008.
gnomAD v4.1: 4 of 1,608,354 alleles (0.00025%); highest among the groups gnomAD compares: African/African-American, 0.0027%; no homozygotes.

Submission:

Labcorp Genetics (formerly Invitae), Labcorp
Classification: Uncertain significance for Hereditary spastic paraplegia 39. Last evaluated: 2022-07-19. Review status: criteria provided, single submitter. Criteria: Invitae Variant Classification Sherloc (09022015). Collection method: clinical testing. Allele origin: germline.
Comment: In summary, the available evidence is currently insufficient to determine the role of this variant in disease. Therefore, it has been classified as a Variant of Uncertain Significance. Algorithms developed to predict the effect of missense changes on protein structure and function (SIFT, PolyPhen-2, Align-GVGD) all suggest that this variant is likely to be tolerated. ClinVar contains an entry for this variant (Variation ID: 1379597). This variant has not been reported in the literature in individuals affected with PNPLA6-related conditions. This variant is present in population databases (rs371906206, gnomAD 0.01%). This sequence change replaces glutamic acid, which is acidic and polar, with lysine, which is basic and polar, at codon 1293 of the PNPLA6 protein (p.Glu1293Lys).

NM_001166114.2(PNPLA6):c.3991G>A (p.Glu1331Lys)

Gene: PNPLA6 (patatin like domain 6, lysophospholipase; plus strand). Cytogenetic location: 19p13.2.
Variant type: single nucleotide variant.
Coding change: c.3991G>A on transcript NM_001166114.2 (MANE Select); coding-DNA position 3991, G replaced by A.
Protein change: p.Glu1331Lys; replaces glutamic acid 1331 with lysine.
Molecular consequence: missense variant.
Genome position (GRCh38, 1-based): chr19:7,561,285, G>A. VCF-style: chr19-7561285-G-A. GRCh37 (hg19) VCF-style: chr19-7626171-G-A.
Other names: c.4021G>A, p.Glu1341Lys (NM_001166111.2); c.3796G>A, p.Glu1266Lys (NM_001166112.2); c.3877G>A, p.Glu1293Lys (NM_001166113.1, NM_006702.5); short protein forms E1293K, E1331K, E1266K, E1341K.
Identifiers: ClinVar variation 1379597 (VCV001379597.6), dbSNP rs371906206, ClinGen allele CA9140659.